The following is an entry in ClinVar:

ClinVar aggregate classification (germline): Benign/Likely benign. Review status: criteria provided, multiple submitters, no conflicts (2 of 4 stars). 2 submissions from 2 submitters: Benign (1); Likely benign (1). Last evaluated 2026-01-28.

Conditions:
Familial cancer of breast. Also called: Hereditary breast cancer; hereditary breast carcinoma; BREAST CANCER, FAMILIAL. Identifiers: Orphanet 227535, MedGen C0346153, MONDO:0016419, OMIM 114480. Disease mechanism: loss of function.
Ataxia-telangiectasia syndrome (AT). Also called: Ataxia telangiectasia (A-T); ATAXIA-TELANGIECTASIA, COMPLEMENTATION GROUP A; ATAXIA-TELANGIECTASIA, FRESNO VARIANT; Ataxia-telangiectasia; Ataxia-telangiectasia, complementation group E; LOUIS-BAR SYNDROME. Identifiers: Orphanet 100, MedGen C0004135, MONDO:0008840, OMIM 208900.

Allele frequency attached by ClinVar (database versions not stated): gnomAD 0.00001; gnomAD exomes below 0.00001.
gnomAD v4.1: 4 of 1,614,022 alleles (0.00025%); highest among the groups gnomAD compares: South Asian, 0.0044%; no homozygotes.

Submissions (2):

Labcorp Genetics (formerly Invitae), Labcorp
Classification: Likely benign for Ataxia-telangiectasia syndrome. Last evaluated: 2026-01-28. Review status: criteria provided, single submitter. Criteria: Invitae Variant Classification Sherloc (09022015). Collection method: clinical testing. Allele origin: germline.

Myriad Genetics, Inc.
Classification: Benign for Familial cancer of breast. Last evaluated: 2024-06-18. Review status: criteria provided, single submitter. Criteria: Myriad Autosomal Dominant, Autosomal Recessive and X-Linked Classification Criteria (2023). Collection method: clinical testing. Allele origin: unknown.
Comment: This variant is considered benign. This variant is a silent/synonymous amino acid change and it is not expected to impact splicing.

NM_000051.4(ATM):c.8115A>C (p.Val2705=)

Genes: ATM (ATM serine/threonine kinase; plus strand), C11orf65 (chromosome 11 open reading frame 65; minus strand). Cytogenetic location: 11q22.3.
Variant type: single nucleotide variant.
Coding change: c.8115A>C on transcript NM_000051.4 (MANE Select); coding-DNA position 8115, A replaced by C.
Protein change: p.Val2705=; no amino-acid change (valine 2705 retained).
Molecular consequence: synonymous variant. On other transcripts: intron variant (2).
Genome position (GRCh38, 1-based): chr11:108,335,073, A>C. VCF-style: chr11-108335073-A-C. GRCh37 (hg19) VCF-style: chr11-108205800-A-C.
Other names: c.8115A>C, p.Val2705= (NM_001351834.2); c.641-26002T>G (NM_001330368.2); c.*38+147T>G (NM_001351110.2).
Identifiers: ClinVar variation 1145957 (VCV001145957.10), dbSNP rs1188411746, ClinGen allele CA476677730.